The following is an entry in ClinVar:

NM_000240.4(MAOA):c.391A>G (p.Ile131Val)

Gene: MAOA (monoamine oxidase A; plus strand). Cytogenetic location: Xp11.3.
Variant type: single nucleotide variant.
Coding change: c.391A>G on transcript NM_000240.4 (MANE Select); coding-DNA position 391, A replaced by G.
Protein change: p.Ile131Val; replaces isoleucine 131 with valine.
Molecular consequence: missense variant. On other transcripts: 5 prime UTR variant (1).
Genome position (GRCh38, 1-based): chrX:43,711,956, A>G. VCF-style: chrX-43711956-A-G. GRCh37 (hg19) VCF-style: chrX-43571203-A-G.
Other names: c.-9A>G (NM_001270458.2); short protein forms I131V.
Identifiers: ClinVar variation 3666110 (VCV003666110.2).

ClinVar aggregate classification (germline): Uncertain significance (1 of 4 stars; one submission).

Conditions:
Brunner syndrome (BRNRS). Identifiers: Orphanet 3057, MedGen C0796275, MONDO:0010379, OMIM 300615.

Submission:

Labcorp Genetics (formerly Invitae), Labcorp
Classification: Uncertain significance for Brunner syndrome. Last evaluated: 2024-11-16. Review status: criteria provided, single submitter. Criteria: Invitae Variant Classification Sherloc (09022015). Collection method: clinical testing. Allele origin: germline.
Comment: This sequence change replaces isoleucine, which is neutral and non-polar, with valine, which is neutral and non-polar, at codon 131 of the MAOA protein (p.Ile131Val). This variant is not present in population databases (gnomAD no frequency). This variant has not been reported in the literature in individuals affected with MAOA-related conditions. Invitae Evidence Modeling of protein sequence and biophysical properties (such as structural, functional, and spatial information, amino acid conservation, physicochemical variation, residue mobility, and thermodynamic stability) indicates that this missense variant is not expected to disrupt MAOA protein function with a negative predictive value of 80%. In summary, the available evidence is currently insufficient to determine the role of this variant in disease. Therefore, it has been classified as a Variant of Uncertain Significance.